The following is an entry in ClinVar:

NM_004655.4(AXIN2):c.1225C>G (p.Leu409Val)

Gene: AXIN2 (axin 2; minus strand). Cytogenetic location: 17q24.1.
Variant type: single nucleotide variant.
Coding change: c.1225C>G on transcript NM_004655.4 (MANE Select); coding-DNA position 1225, C replaced by G.
Protein change: p.Leu409Val; replaces leucine 409 with valine.
Molecular consequence: missense variant.
Genome position (GRCh38, 1-based): chr17:65,537,811, G>C on the plus strand (C>G on the coding strand, the complement: AXIN2 is on the minus strand). VCF-style: chr17-65537811-G-C. GRCh37 (hg19) VCF-style: chr17-63533929-G-C.
Other names: c.1225C>G (LRG_296t1); c.1225C>G, p.Leu409Val (NM_001363813.1); short protein forms L409V.
Identifiers: ClinVar variation 464527 (VCV000464527.10), dbSNP rs1555578122, ClinGen allele CA400677925.

ClinVar aggregate classification (germline): Uncertain significance. Review status: criteria provided, multiple submitters, no conflicts (2 of 4 stars). 3 submissions from 3 submitters: Uncertain significance (3). Last evaluated 2025-08-03.

Conditions:
Colorectal cancer. Also called: Malignant Colorectal Neoplasm; Colorectal cancer, somatic. Identifiers: MedGen C0346629, MONDO:0005575, OMIM 114500.
Oligodontia-cancer predisposition syndrome. Also called: TOOTH AGENESIS-COLORECTAL CANCER SYNDROME. Identifiers: Orphanet 300576, MedGen C1837750, MONDO:0012075, OMIM 608615. Disease mechanism: loss of function.
Hereditary cancer-predisposing syndrome. Also called: Neoplastic Syndromes, Hereditary; Tumor predisposition; Hereditary Cancer Syndrome; Hereditary neoplastic syndrome. Identifiers: Orphanet 140162, MedGen C0027672, MeSH D009386, MONDO:0015356.

Allele frequency attached by ClinVar (database versions not stated): gnomAD 0.00001.

Submissions (3):

Ambry Genetics
Classification: Uncertain significance for Hereditary cancer-predisposing syndrome. Last evaluated: 2025-08-03. Review status: criteria provided, single submitter. Criteria: Ambry Variant Classification Scheme 2023. Collection method: clinical testing. Allele origin: germline.
Comment: The p.L409V variant (also known as c.1225C>G), located in coding exon 5 of the AXIN2 gene, results from a C to G substitution at nucleotide position 1225. The leucine at codon 409 is replaced by valine, an amino acid with highly similar properties. This amino acid position is conserved. In addition, this alteration is predicted to be tolerated by in silico analysis. Since supporting evidence is limited at this time, the clinical significance of this alteration remains unclear.

Fulgent Genetics
Classification: Uncertain significance for Colorectal cancer; Oligodontia-cancer predisposition syndrome. Last evaluated: 2024-06-10. Review status: criteria provided, single submitter. Criteria: ACMG Guidelines, 2015. Collection method: clinical testing. Allele origin: germline.

Labcorp Genetics (formerly Invitae), Labcorp
Classification: Uncertain significance for Oligodontia-cancer predisposition syndrome. Last evaluated: 2023-04-14. Review status: criteria provided, single submitter. Criteria: Invitae Variant Classification Sherloc (09022015). Collection method: clinical testing. Allele origin: germline.
Comment: ClinVar contains an entry for this variant (Variation ID: 464527). This sequence change replaces leucine, which is neutral and non-polar, with valine, which is neutral and non-polar, at codon 409 of the AXIN2 protein (p.Leu409Val). This variant is not present in population databases (gnomAD no frequency). This variant has not been reported in the literature in individuals affected with AXIN2-related conditions. An algorithm developed to predict the effect of missense changes on protein structure and function (PolyPhen-2) suggests that this variant is likely to be tolerated. In summary, the available evidence is currently insufficient to determine the role of this variant in disease. Therefore, it has been classified as a Variant of Uncertain Significance.